The following is an entry in ClinVar:

ClinVar aggregate classification (germline): Uncertain significance. Review status: criteria provided, multiple submitters, no conflicts (2 of 4 stars). 7 submissions from 7 submitters: Uncertain significance (7). Last evaluated 2024-12-17.

Conditions:
Hypertrophic cardiomyopathy 1 (CMH1). Also called: Familial hypertrophic cardiomyopathy 1; MYH7-Related Familial Hypertrophic Cardiomyopathy. Identifiers: MedGen C3495498, MONDO:0008647, OMIM 192600.
Hypertrophic cardiomyopathy. Also called: HYPERTROPHIC MYOCARDIOPATHY. Identifiers: Orphanet 217569, MedGen C0007194, MeSH D002312, MONDO:0005045, HP:0001639.
Cardiovascular phenotype. Identifiers: MedGen CN230736.
Hypertrophic cardiomyopathy 4. Also called: Familial hypertrophic cardiomyopathy 4. Identifiers: MedGen C1861862, MONDO:0007268, OMIM 115197.
Left ventricular noncompaction 10 (LVNC10). Identifiers: Orphanet 154, Orphanet 54260, MedGen C3715165, MONDO:0014163, OMIM 615396.
Cardiomyopathy (CMYO). Also called: Cardiomyopathies. Identifiers: Orphanet 167848, MedGen C0878544, MONDO:0004994, HP:0001638. Inheritance: Various modes of inheritance.

gnomAD v4.1: 22 of 1,596,896 alleles (0.0014%); highest among the groups gnomAD compares: Non-Finnish European, 0.0015%; no homozygotes.

Submissions (7):

Ambry Genetics
Classification: Uncertain significance for Cardiovascular phenotype. Last evaluated: 2024-12-17. Review status: criteria provided, single submitter. Criteria: Ambry Variant Classification Scheme 2023. Collection method: clinical testing. Allele origin: germline.
Comment: The p.G5W variant (also known as c.13G>T), located in coding exon 1 of the MYBPC3 gene, results from a G to T substitution at nucleotide position 13. The glycine at codon 5 is replaced by tryptophan, an amino acid with highly dissimilar properties. This variant was reported in individual(s) with features consistent with hypertrophic cardiomyopathy (Helms AS et al. Circ Genom Precis Med, 2020 Oct;13:396-405). This amino acid position is not well conserved in available vertebrate species. In addition, this alteration is predicted to be tolerated by in silico analysis. Based on the available evidence, the clinical significance of this variant remains unclear.

Labcorp Genetics (formerly Invitae), Labcorp
Classification: Uncertain significance for Hypertrophic cardiomyopathy. Last evaluated: 2024-10-30. Review status: criteria provided, single submitter. Criteria: Invitae Variant Classification Sherloc (09022015). Collection method: clinical testing. Allele origin: germline.
Comment: This sequence change replaces glycine, which is neutral and non-polar, with tryptophan, which is neutral and slightly polar, at codon 5 of the MYBPC3 protein (p.Gly5Trp). This variant is not present in population databases (gnomAD no frequency). This missense change has been observed in individual(s) with hypertrophic cardiomyopathy (PMID: 28790153, 32841044, 33782553). ClinVar contains an entry for this variant (Variation ID: 217839). An algorithm developed to predict the effect of missense changes on protein structure and function (PolyPhen-2) suggests that this variant is likely to be disruptive. In summary, the available evidence is currently insufficient to determine the role of this variant in disease. Therefore, it has been classified as a Variant of Uncertain Significance.

All of Us Research Program, National Institutes of Health
Classification: Uncertain significance for Hypertrophic cardiomyopathy. Last evaluated: 2024-08-13. Review status: criteria provided, single submitter. Criteria: ACMG Guidelines, 2015. Collection method: clinical testing. Allele origin: germline. Inheritance: Autosomal dominant inheritance. Observed: 7 variant alleles, 7 heterozygotes.
Comment: This missense variant replaces glycine with tryptophan at codon 5 of the MYBPC3 protein. Computational prediction suggests that this variant may not impact protein structure and function (internally defined REVEL score threshold <= 0.5, PMID: 27666373). To our knowledge, functional studies have not been reported for this variant. This variant has been reported in one individual affected with hypertrophic cardiomyopathy, however, this individual carried a co-variant in a different gene with unknown clinical significance (PMID: 28790153). This variant has been identified in 1/231870 chromosomes in the general population by the Genome Aggregation Database (gnomAD). The available evidence is insufficient to determine the role of this variant in disease conclusively. Therefore, this variant is classified as a Variant of Uncertain Significance.

This study involves interpretation of variants in research participants for the purpose of population health screening. Participant phenotype was not available at the time of variant classification. Additional details can be found in publication PMID: 35346344, PMCID: PMC8962531

Color Diagnostics, LLC DBA Color Health
Classification: Uncertain significance for Cardiomyopathy. Last evaluated: 2024-07-31. Review status: criteria provided, single submitter. Criteria: ACMG Guidelines, 2015. Collection method: clinical testing. Allele origin: germline.
Comment: This missense variant replaces glycine with tryptophan at codon 5 of the MYBPC3 protein. Computational prediction suggests that this variant may not impact protein structure and function. To our knowledge, functional studies have not been reported for this variant. This variant has been reported in at least one individual affected with hypertrophic cardiomyopathy (PMID: 28790153, 32841044). This variant has been identified in 1/231870 chromosomes in the general population by the Genome Aggregation Database (gnomAD). The available evidence is insufficient to determine the role of this variant in disease conclusively. Therefore, this variant is classified as a Variant of Uncertain Significance.

Molecular Genetics, Royal Melbourne Hospital
Classification: Uncertain significance for Hypertrophic cardiomyopathy 4. Last evaluated: 2022-04-22. Review status: criteria provided, single submitter. Criteria: ACMG Guidelines, 2015. Collection method: clinical testing. Allele origin: germline.
Comment: This sequence change is predicted to replace glycine with tryptophan at codon 5 of the MYBPC3 protein, p.(Gly5Trp). The glycine residue is weakly conserved (100 vertebrates, UCSC), and is not located in an annotated domain. There is a large physicochemical difference between glycine and tryptophan. The variant is present in a single individual in a large population cohort (rs201278114, 1/231,870 alleles, 0 homozygotes in gnomAD v2.1). The variant has been classified as a variant of uncertain significance (ClinVar ID: 217839), and has been identified in a case with hypertrophic cardiomyopathy with another variant in TNNT2 (PMID: 28790153). Multiple lines of computational evidence predict a benign effect for the missense substitution (4/5 algorithms). Based on the classification scheme RMH ACMG Guidelines v1.2.1, this variant is classified as a VARIANT OF UNCERTAIN SIGNIFICANCE. Following criteria are met: PM2.

Fulgent Genetics
Classification: Uncertain significance for Hypertrophic cardiomyopathy 4; Left ventricular noncompaction 10. Last evaluated: 2021-07-26. Review status: criteria provided, single submitter. Criteria: ACMG Guidelines, 2015. Collection method: clinical testing. Allele origin: unknown.

Agnes Ginges Centre for Molecular Cardiology, Centenary Institute
Classification: Uncertain significance for Hypertrophic cardiomyopathy 1. Last evaluated: 2015-07-03. Review status: criteria provided, single submitter. Criteria: Agnes Ginges Centre for Molecular Cardiology criteria (2015). Collection method: research. Allele origin: germline. Inheritance: Autosomal dominant inheritance. Affected: yes.
Comment: This MYBPC3 Gly5Trp variant has not previously been reported in the general population or the literature. This variant is not present in the Exome Aggregation Consortium dataset. Computational analyses (Polyphen2, CADD, SIFT, Grantham) support a potentially deleterious effect. More evidence and additional data is needed to confirm the role of this variant. Thus, we classify this variant as of "uncertain significance".

Literature cited by the submitters: PubMed 28790153 (cited by 5 submitters); PubMed 32841044 (cited by 3 submitters); PubMed 33782553 (cited by Labcorp Genetics (formerly Invitae), Labcorp).

NM_000256.3(MYBPC3):c.13G>T (p.Gly5Trp)

Gene: MYBPC3 (myosin binding protein C3; minus strand). Cytogenetic location: 11p11.2.
Variant type: single nucleotide variant.
Coding change: c.13G>T on transcript NM_000256.3 (MANE Select); coding-DNA position 13, G replaced by T.
Protein change: p.Gly5Trp; replaces glycine 5 with tryptophan.
Molecular consequence: missense variant.
Genome position (GRCh38, 1-based): chr11:47,352,635, C>A on the plus strand (G>T on the coding strand, the complement: MYBPC3 is on the minus strand). VCF-style: chr11-47352635-C-A. GRCh37 (hg19) VCF-style: chr11-47374186-C-A.
Other names: c.13G>T, p.Gly5Trp (LRG_386t1); short protein forms G5W.
Identifiers: ClinVar variation 217839 (VCV000217839.16), dbSNP rs201278114, ClinGen allele CA277841.